The following is an entry in ClinVar:

NM_005732.4(RAD50):c.973T>A (p.Cys325Ser)

Gene: RAD50 (RAD50 double strand break repair protein; plus strand). Cytogenetic location: 5q31.1.
Variant type: single nucleotide variant.
Coding change: c.973T>A on transcript NM_005732.4 (MANE Select); coding-DNA position 973, T replaced by A.
Protein change: p.Cys325Ser; replaces cysteine 325 with serine.
Molecular consequence: missense variant.
Genome position (GRCh38, 1-based): chr5:132,588,011, T>A. VCF-style: chr5-132588011-T-A. GRCh37 (hg19) VCF-style: chr5-131923703-T-A.
Other names: short protein forms C325S.
Identifiers: ClinVar variation 1001673 (VCV001001673.10), dbSNP rs863224744, ClinGen allele CA360941224.

ClinVar aggregate classification (germline): Uncertain significance (1 of 4 stars; one submission).

Conditions:
Hereditary cancer-predisposing syndrome. Also called: Neoplastic Syndromes, Hereditary; Tumor predisposition; Hereditary Cancer Syndrome; Hereditary neoplastic syndrome. Identifiers: Orphanet 140162, MedGen C0027672, MeSH D009386, MONDO:0015356.

Submission:

Labcorp Genetics (formerly Invitae), Labcorp
Classification: Uncertain significance for Hereditary cancer-predisposing syndrome. Last evaluated: 2022-05-28. Review status: criteria provided, single submitter. Criteria: Invitae Variant Classification Sherloc (09022015). Collection method: clinical testing. Allele origin: germline.
Comment: This sequence change replaces cysteine, which is neutral and slightly polar, with serine, which is neutral and polar, at codon 325 of the RAD50 protein (p.Cys325Ser). This variant is not present in population databases (gnomAD no frequency). This variant has not been reported in the literature in individuals affected with RAD50-related conditions. ClinVar contains an entry for this variant (Variation ID: 1001673). Algorithms developed to predict the effect of missense changes on protein structure and function (SIFT, PolyPhen-2, Align-GVGD) all suggest that this variant is likely to be tolerated. In summary, the available evidence is currently insufficient to determine the role of this variant in disease. Therefore, it has been classified as a Variant of Uncertain Significance.